The following is an entry in ClinVar:

ClinVar aggregate classification (germline): Uncertain significance. Review status: criteria provided, multiple submitters, no conflicts (2 of 4 stars). 2 submissions from 2 submitters: Uncertain significance (2). Last evaluated 2026-08-29.

Conditions:
Brugada syndrome 8 (BRGDA8). Identifiers: Orphanet 130, MedGen C2751083, MONDO:0013148, OMIM 613123.
Cardiovascular phenotype. Identifiers: MedGen CN230736.

Allele frequency attached by ClinVar (database versions not stated): ExAC 0.00002; gnomAD exomes below 0.00001.
gnomAD v4.1: 4 of 1,587,676 alleles (0.00025%); highest among the groups gnomAD compares: Non-Finnish European, 0.00034%; no homozygotes.

Submissions (2):

Ambry Genetics
Classification: Uncertain significance for Cardiovascular phenotype. Last evaluated: 2026-08-29. Review status: criteria provided, single submitter. Criteria: Ambry Variant Classification Scheme 2023. Collection method: clinical testing. Allele origin: germline.
Comment: The p.S983F variant (also known as c.2948C>T), located in coding exon 8 of the HCN4 gene, results from a C to T substitution at nucleotide position 2948. The serine at codon 983 is replaced by phenylalanine, an amino acid with highly dissimilar properties. This amino acid position is conserved. In addition, the in silico prediction for this alteration is inconclusive. Based on the available evidence, the clinical significance of this variant remains unclear.

Labcorp Genetics (formerly Invitae), Labcorp
Classification: Uncertain significance for Brugada syndrome 8. Last evaluated: 2023-02-16. Review status: criteria provided, single submitter. Criteria: Invitae Variant Classification Sherloc (09022015). Collection method: clinical testing. Allele origin: germline.
Comment: In summary, the available evidence is currently insufficient to determine the role of this variant in disease. Therefore, it has been classified as a Variant of Uncertain Significance. Advanced modeling of protein sequence and biophysical properties (such as structural, functional, and spatial information, amino acid conservation, physicochemical variation, residue mobility, and thermodynamic stability) performed at Invitae indicates that this missense variant is not expected to disrupt HCN4 protein function. This variant has not been reported in the literature in individuals affected with HCN4-related conditions. The frequency data for this variant in the population databases is considered unreliable, as metrics indicate poor data quality at this position in the gnomAD database. This sequence change replaces serine, which is neutral and polar, with phenylalanine, which is neutral and non-polar, at codon 983 of the HCN4 protein (p.Ser983Phe).

NM_005477.3(HCN4):c.2948C>T (p.Ser983Phe)

Gene: HCN4 (hyperpolarization activated cyclic nucleotide gated potassium channel 4; minus strand). Cytogenetic location: 15q24.1.
Variant type: single nucleotide variant.
Coding change: c.2948C>T on transcript NM_005477.3 (MANE Select); coding-DNA position 2948, C replaced by T.
Protein change: p.Ser983Phe; replaces serine 983 with phenylalanine.
Molecular consequence: missense variant.
Genome position (GRCh38, 1-based): chr15:73,323,145, G>A on the plus strand (C>T on the coding strand, the complement: HCN4 is on the minus strand). VCF-style: chr15-73323145-G-A. GRCh37 (hg19) VCF-style: chr15-73615486-G-A.
Other names: c.2948C>T (NM_005477.2); short protein forms S983F.
Identifiers: ClinVar variation 2147447 (VCV002147447.3), dbSNP rs753233857, ClinGen allele CA7648917.